The following is an entry in ClinVar:

NM_000038.6(APC):c.6232C>A (p.Leu2078Ile)

Gene: APC (APC regulator of Wnt signaling pathway; plus strand). Cytogenetic location: 5q22.2.
Variant type: single nucleotide variant.
Coding change: c.6232C>A on transcript NM_000038.6 (MANE Select); coding-DNA position 6232, C replaced by A.
Protein change: p.Leu2078Ile; replaces leucine 2078 with isoleucine.
Molecular consequence: missense variant.
Genome position (GRCh38, 1-based): chr5:112,841,826, C>A. VCF-style: chr5-112841826-C-A. GRCh37 (hg19) VCF-style: chr5-112177523-C-A.
Other names: c.6232C>A, p.Leu2078Ile (NM_001127510.3, NM_001354895.2, NM_001407450.1); c.6178C>A, p.Leu2060Ile (NM_001127511.3); c.6286C>A, p.Leu2096Ile (NM_001354896.2, NM_001407447.1, NM_001407448.1 and 1 more transcripts); c.6262C>A, p.Leu2088Ile (NM_001354897.2); c.6157C>A, p.Leu2053Ile (NM_001354898.2); c.6148C>A, p.Leu2050Ile (NM_001354899.2); c.6109C>A, p.Leu2037Ile (NM_001354900.2); c.6055C>A, p.Leu2019Ile (NM_001354901.2, NM_001407453.1); and 11 more; short protein forms L1694I, L1795I, L1918I, L1949I, L1952I, L1977I, L1987I, L1995I.
Identifiers: ClinVar variation 1721937 (VCV001721937.6), dbSNP rs786203610, ClinGen allele CA16034979.

ClinVar aggregate classification (germline): Uncertain significance (1 of 4 stars; one submission).

Conditions:
Familial adenomatous polyposis 1 (FAP1). Also called: FAMILIAL ADENOMATOUS POLYPOSIS 1, ATTENUATED; POLYPOSIS, ADENOMATOUS INTESTINAL. Identifiers: MedGen C2713442, MONDO:0021056, OMIM 175100. Disease mechanism: loss of function.

Submission:

Labcorp Genetics (formerly Invitae), Labcorp
Classification: Uncertain significance for Familial adenomatous polyposis 1. Last evaluated: 2022-10-20. Review status: criteria provided, single submitter. Criteria: Invitae Variant Classification Sherloc (09022015). Collection method: clinical testing. Allele origin: germline.
Comment: In summary, the available evidence is currently insufficient to determine the role of this variant in disease. Therefore, it has been classified as a Variant of Uncertain Significance. Advanced modeling of protein sequence and biophysical properties (such as structural, functional, and spatial information, amino acid conservation, physicochemical variation, residue mobility, and thermodynamic stability) performed at Invitae indicates that this missense variant is not expected to disrupt APC protein function. This variant has not been reported in the literature in individuals affected with APC-related conditions. This variant is not present in population databases (gnomAD no frequency). This sequence change replaces leucine, which is neutral and non-polar, with isoleucine, which is neutral and non-polar, at codon 2078 of the APC protein (p.Leu2078Ile).